The following is an entry in ClinVar:

ClinVar aggregate classification (germline): Uncertain significance. Review status: criteria provided, multiple submitters, no conflicts (2 of 4 stars). 12 submissions from 8 submitters: Uncertain significance (10). 2 of the submissions do not count toward it. Last evaluated 2025-09-22.

Conditions:
Inborn genetic diseases. Identifiers: MedGen C0950123, MeSH D030342.
Meckel-Gruber syndrome. Also called: GRUBER SYNDROME; DYSENCEPHALIA SPLANCHNOCYSTICA; Dysencephalia splachnocystica. Identifiers: Orphanet 564, MedGen C0265215, MONDO:0018921.
Joubert syndrome. Also called: JOUBERT-BOLTSHAUSER SYNDROME; Familial aplasia of the vermis. Identifiers: Orphanet 475, MedGen C5979921, MONDO:0018772.
Nephronophthisis. Also called: Juvenile Nephronophthisis. Identifiers: Orphanet 655, MedGen C0687120, MONDO:0019005, HP:0000090.
Bardet-Biedl syndrome 14 (BBS14). Identifiers: Orphanet 110, MedGen C2673874, MONDO:0014442, OMIM 615991.
Leber congenital amaurosis 10 (LCA10). Identifiers: Orphanet 65, MedGen C1857821, MONDO:0012723, OMIM 611755.
Meckel syndrome, type 4 (MKS4). Also called: MECKEL-GRUBER SYNDROME, TYPE 4. Identifiers: Orphanet 564, MedGen C1970161, MONDO:0012626, OMIM 611134.
Senior-Loken syndrome 6 (SLSN6). Identifiers: Orphanet 3156, MedGen C1857779, MONDO:0012433, OMIM 610189.
Joubert syndrome 5 (JBTS5). Identifiers: Orphanet 2318, MedGen C1857780, MONDO:0012432, OMIM 610188.
CEP290-related disorder. Also called: CEP290-related disorders; CEP290-related condition. Identifiers: MedGen CN239314.
Leber congenital amaurosis (LCA). Also called: Leber's amaurosis. Identifiers: Orphanet 65, MedGen C0339527, MeSH D057130, MONDO:0018998.

Allele frequency attached by ClinVar (database versions not stated): ExAC 0.00009; gnomAD exomes 0.00009 and 0.00013; TOPMed 0.00016; gnomAD 0.00019 and 0.00021.
gnomAD v4.1: 222 of 1,572,888 alleles (0.014%); highest among the groups gnomAD compares: Admixed American, 0.023%; no homozygotes.

Submissions (12):

Ambry Genetics
Classification: Uncertain significance for Inborn genetic diseases. Last evaluated: 2025-09-22. Review status: criteria provided, single submitter. Criteria: Ambry Variant Classification Scheme 2023. Collection method: clinical testing. Allele origin: germline.

Blueprint Genetics
Classification: Uncertain significance. Last evaluated: 2024-10-17. Review status: criteria provided, single submitter. Criteria: ACMG Guidelines, 2015. Collection method: clinical testing. Allele origin: germline.

Labcorp Genetics (formerly Invitae), Labcorp
Classification: Uncertain significance for Joubert syndrome; Meckel-Gruber syndrome; Nephronophthisis. Last evaluated: 2024-10-16. Review status: criteria provided, single submitter. Criteria: Invitae Variant Classification Sherloc (09022015). Collection method: clinical testing. Allele origin: germline.
Comment: This sequence change replaces aspartic acid, which is acidic and polar, with asparagine, which is neutral and polar, at codon 2426 of the CEP290 protein (p.Asp2426Asn). This variant is present in population databases (rs200178519, gnomAD 0.02%). This missense change has been observed in individual(s) with CEP290-related conditions (PMID: 32483926). ClinVar contains an entry for this variant (Variation ID: 310586). An algorithm developed to predict the effect of missense changes on protein structure and function (PolyPhen-2) suggests that this variant is likely to be disruptive. In summary, the available evidence is currently insufficient to determine the role of this variant in disease. Therefore, it has been classified as a Variant of Uncertain Significance.

Fulgent Genetics
Classification: Uncertain significance for Joubert syndrome 5; Senior-Loken syndrome 6; Meckel syndrome, type 4; Leber congenital amaurosis 10; Bardet-Biedl syndrome 14. Last evaluated: 2024-05-21. Review status: criteria provided, single submitter. Criteria: ACMG Guidelines, 2015. Collection method: clinical testing. Allele origin: germline.

GeneDx
Classification: Uncertain significance. Last evaluated: 2022-11-28. Review status: criteria provided, single submitter. Criteria: GeneDx Variant Classification Process June 2021. Collection method: clinical testing. Allele origin: germline. Affected: yes.
Comment: In silico analysis, which includes protein predictors and evolutionary conservation, supports that this variant does not alter protein structure/function; This variant is associated with the following publications: (PMID: 32483926)

Illumina Laboratory Services, Illumina
Classification: Uncertain significance for Joubert syndrome 5. Last evaluated: 2018-01-12. Review status: criteria provided, single submitter. Criteria: ICSL Variant Classification Criteria 13 December 2019. Collection method: clinical testing. Allele origin: germline.

Illumina Laboratory Services, Illumina
Classification: Uncertain significance for Bardet-Biedl syndrome 14. Last evaluated: 2018-01-12. Review status: criteria provided, single submitter. Criteria: ICSL Variant Classification Criteria 13 December 2019. Collection method: clinical testing. Allele origin: germline.

Illumina Laboratory Services, Illumina
Classification: Uncertain significance for Meckel syndrome, type 4. Last evaluated: 2018-01-12. Review status: criteria provided, single submitter. Criteria: ICSL Variant Classification Criteria 13 December 2019. Collection method: clinical testing. Allele origin: germline.

Illumina Laboratory Services, Illumina
Classification: Uncertain significance for Senior-Loken syndrome 6. Last evaluated: 2018-01-12. Review status: criteria provided, single submitter. Criteria: ICSL Variant Classification Criteria 13 December 2019. Collection method: clinical testing. Allele origin: germline.

Illumina Laboratory Services, Illumina
Classification: Uncertain significance for Leber congenital amaurosis 10. Last evaluated: 2018-01-12. Review status: criteria provided, single submitter. Criteria: ICSL Variant Classification Criteria 13 December 2019. Collection method: clinical testing. Allele origin: germline.

PreventionGenetics, part of Exact Sciences
Classification: Uncertain significance for CEP290-related condition. Last evaluated: 2024-03-03. Review status: no assertion criteria provided. Collection method: clinical testing. Allele origin: germline. Not counted in ClinVar's aggregate classification.
Comment: The CEP290 c.7276G>A variant is predicted to result in the amino acid substitution p.Asp2426Asn. This variant has been reported in an individual with retinal and optical nerve disorder (Table S12, Diñeiro et al. 2020. PubMed ID: 32483926). This variant is reported in 0.019% of alleles in individuals of European (Non-Finnish) descent in gnomAD. At this time, the clinical significance of this variant is uncertain due to the absence of conclusive functional and genetic evidence.

Natera, Inc.
Classification: Uncertain significance for Leber congenital amaurosis. Last evaluated: 2020-03-13. Review status: no assertion criteria provided. Collection method: clinical testing. Allele origin: germline. Not counted in ClinVar's aggregate classification.

Literature cited by the submitters: PubMed 32483926 (cited by Labcorp Genetics (formerly Invitae), Labcorp).

NM_025114.4(CEP290):c.7276G>A (p.Asp2426Asn)

Genes: CEP290 (centrosomal protein 290; minus strand), RLIG1 (RNA 5'-phosphate and 3'-OH ligase 1; plus strand). Cytogenetic location: 12q21.32.
Variant type: single nucleotide variant.
Coding change: c.7276G>A on transcript NM_025114.4 (MANE Select); coding-DNA position 7276, G replaced by A.
Protein change: p.Asp2426Asn; replaces aspartic acid 2426 with asparagine.
Molecular consequence: missense variant. On other transcripts: 3 prime UTR variant (1).
Genome position (GRCh38, 1-based): chr12:88,049,348, C>T on the plus strand (G>A on the coding strand, the complement: CEP290 is on the minus strand). VCF-style: chr12-88049348-C-T. GRCh37 (hg19) VCF-style: chr12-88443125-C-T.
Other names: c.*926C>T (NM_001009894.3); short protein forms D2426N.
Identifiers: ClinVar variation 310586 (VCV000310586.19), dbSNP rs200178519, ClinGen allele CA6711306.